The following is an entry in ClinVar:

ClinVar aggregate classification (germline): Uncertain significance. Review status: criteria provided, multiple submitters, no conflicts (2 of 4 stars). 3 submissions from 3 submitters: Uncertain significance (3). Last evaluated 2026-01-21.

Conditions:
Inborn genetic diseases. Identifiers: MedGen C0950123, MeSH D030342.

Allele frequency attached by ClinVar (database versions not stated): ExAC 0.00001; TOPMed 0.00003; gnomAD 0.00004; gnomAD exomes 0.00005; ESP Exome Variant Server 0.00008.
gnomAD v4.1: 81 of 1,614,080 alleles (0.005%); highest among the groups gnomAD compares: Non-Finnish European, 0.0064%; no homozygotes.

Submissions (3):

GeneDx
Classification: Uncertain significance. Last evaluated: 2026-01-21. Review status: criteria provided, single submitter. Criteria: GeneDx Variant Classification Process June 2021. Collection method: clinical testing. Allele origin: germline.
Comment: In silico analysis supports that this missense variant has a deleterious effect on protein structure/function; Has not been previously published as pathogenic or benign to our knowledge

Ambry Genetics
Classification: Uncertain significance for Inborn genetic diseases. Last evaluated: 2025-08-20. Review status: criteria provided, single submitter. Criteria: Ambry Variant Classification Scheme 2023. Collection method: clinical testing. Allele origin: germline.

Labcorp Genetics (formerly Invitae), Labcorp
Classification: Uncertain significance. Last evaluated: 2022-05-17. Review status: criteria provided, single submitter. Criteria: Invitae Variant Classification Sherloc (09022015). Collection method: clinical testing. Allele origin: germline.
Comment: This sequence change replaces threonine, which is neutral and polar, with methionine, which is neutral and non-polar, at codon 316 of the KRT5 protein (p.Thr316Met). This variant is present in population databases (rs369447745, gnomAD 0.006%). This variant has not been reported in the literature in individuals affected with KRT5-related conditions. Advanced modeling of protein sequence and biophysical properties (such as structural, functional, and spatial information, amino acid conservation, physicochemical variation, residue mobility, and thermodynamic stability) performed at Invitae indicates that this missense variant is not expected to disrupt KRT5 protein function. In summary, the available evidence is currently insufficient to determine the role of this variant in disease. Therefore, it has been classified as a Variant of Uncertain Significance.

NM_000424.4(KRT5):c.947C>T (p.Thr316Met)

Gene: KRT5 (keratin 5; minus strand). Cytogenetic location: 12q13.13.
Variant type: single nucleotide variant.
Coding change: c.947C>T on transcript NM_000424.4 (MANE Select); coding-DNA position 947, C replaced by T.
Protein change: p.Thr316Met; replaces threonine 316 with methionine.
Molecular consequence: missense variant.
Genome position (GRCh38, 1-based): chr12:52,517,735, G>A on the plus strand (C>T on the coding strand, the complement: KRT5 is on the minus strand). VCF-style: chr12-52517735-G-A. GRCh37 (hg19) VCF-style: chr12-52911519-G-A.
Other names: c.947C>T (NM_000424.3); short protein forms T316M.
Identifiers: ClinVar variation 2083309 (VCV002083309.6), dbSNP rs369447745, ClinGen allele CA6582673.